The following is an entry in ClinVar:

NM_000187.4(HGD):c.1288del (p.Leu430fs)

Gene: HGD (homogentisate 1,2-dioxygenase; minus strand). Cytogenetic location: 3q13.33.
Variant type: Deletion.
Coding change: c.1288del on transcript NM_000187.4 (MANE Select); coding-DNA position 1288, one base deleted (C; older notation c.1288delC).
Protein change: p.Leu430fs; shifts the reading frame from leucine 430.
Molecular consequence: frameshift variant.
Genome position (GRCh38, 1-based): chr3:120,628,430, G deleted on the plus strand (C on the coding strand, the reverse complement: HGD is on the minus strand). VCF-style (leftmost placement, unchanged base first): chr3-120628429-AG-A. GRCh37 (hg19) VCF-style: chr3-120347276-AG-A.
Other names: short protein forms L430fs.
Identifiers: ClinVar variation 1071828 (VCV001071828.9), dbSNP rs2107483632, ClinGen allele CA2499216400.

ClinVar aggregate classification (germline): Pathogenic (1 of 4 stars; one submission).

Conditions:
Alkaptonuria (AKU). Also called: HOMOGENTISIC ACID OXIDASE DEFICIENCY; Homogentisic acidura; Alkaptonuric ochronosis; Alcaptonuria. Identifiers: Orphanet 56, MedGen C0002066, MONDO:0008753, OMIM 203500.

Allele frequency attached by ClinVar (database versions not stated): gnomAD exomes below 0.00001.

Submission:

Labcorp Genetics (formerly Invitae), Labcorp
Classification: Pathogenic for Alkaptonuria. Last evaluated: 2020-08-06. Review status: criteria provided, single submitter. Criteria: Invitae Variant Classification Sherloc (09022015). Collection method: clinical testing. Allele origin: germline.
Comment: For these reasons, this variant has been classified as Pathogenic. This variant disrupts the C-terminus of the HGD protein. Other variant(s) that disrupt this region (p.Lys431Hisfs*11) have been determined to be pathogenic (PMID: 23430897, 25681086, Invitae). This suggests that variants that disrupt this region of the protein are likely to be causative of disease. This variant has not been reported in the literature in individuals with HGD-related conditions. This variant is not present in population databases (ExAC no frequency). This sequence change results in a frameshift in the HGD gene (p.Leu430Serfs*24). While this is not anticipated to result in nonsense mediated decay, it is expected to disrupt the last 16 amino acids of the HGD protein and extend the protein by an additional 7 amino acids.

Literature cited by the submitters: PubMed 23430897; PubMed 25681086.